The following is an entry in ClinVar:

ClinVar aggregate classification (germline): Conflicting classifications of pathogenicity. Review status: criteria provided, conflicting classifications (1 of 4 stars). 6 submissions from 6 submitters: Uncertain significance (1); Benign (2); Likely benign (2). 1 of the submissions does not count toward it. Last evaluated 2025-10-17.

Conditions:
Inborn genetic diseases. Identifiers: MedGen C0950123, MeSH D030342.
Intellectual disability. Also called: Intellectual functioning disability; Intellectual developmental disorder; intellectual disabilities. Identifiers: MedGen C3714756, MeSH D008607, MONDO:0001071, HP:0001249.
Neurodevelopmental disorder with or without anomalies of the brain, eye, or heart (NEDBEH). Identifiers: Orphanet 494344, MedGen C5567477, MONDO:0014857, OMIM 616975.
RERE-related disorder. Also called: RERE-Related Disorders; RERE-related condition. Identifiers: MedGen CN381537.

Allele frequency attached by ClinVar (database versions not stated): gnomAD 0.00046 and 0.00048; gnomAD exomes 0.00051; ExAC 0.00056; ESP Exome Variant Server 0.00069.
gnomAD v4.1: 882 of 1,609,232 alleles (0.055%); highest among the groups gnomAD compares: Non-Finnish European, 0.068%; no homozygotes.

Submissions (6):

Labcorp Genetics (formerly Invitae), Labcorp
Classification: Benign. Last evaluated: 2025-10-17. Review status: criteria provided, single submitter. Criteria: Invitae Variant Classification Sherloc (09022015). Collection method: clinical testing. Allele origin: germline.

Blueprint Genetics
Classification: Likely benign. Last evaluated: 2024-11-11. Review status: criteria provided, single submitter. Criteria: ACMG Guidelines, 2015. Collection method: clinical testing. Allele origin: germline.

Ambry Genetics
Classification: Likely benign for Inborn genetic diseases. Last evaluated: 2021-11-10. Review status: criteria provided, single submitter. Criteria: Ambry Variant Classification Scheme 2023. Collection method: clinical testing. Allele origin: germline.

Revvity Omics, Revvity
Classification: Uncertain significance for Neurodevelopmental disorder with or without anomalies of the brain, eye, or heart. Last evaluated: 2020-12-30. Review status: criteria provided, single submitter. Criteria: ACMG Guidelines, 2015. Collection method: clinical testing. Allele origin: germline.

Cambridge Genomics Laboratory, East Genomic Laboratory Hub, NHS Genomic Medicine Service
Classification: Benign for Intellectual disability. Last evaluated: 2019-11-28. Review status: criteria provided, single submitter. Criteria: ACGS Best Practice Guidelines for Variant Classification in Rare Disease 2020. Collection method: clinical testing. Allele origin: germline. Affected: yes. Observed: 1 variant allele.

PreventionGenetics, part of Exact Sciences
Classification: Likely benign for RERE-related condition. Last evaluated: 2024-06-21. Review status: no assertion criteria provided. Collection method: clinical testing. Allele origin: germline. Not counted in ClinVar's aggregate classification.
Comment: This variant is classified as likely benign based on ACMG/AMP sequence variant interpretation guidelines (Richards et al. 2015 PMID: 25741868, with internal and published modifications).

NM_001042681.2(RERE):c.697G>A (p.Val233Ile)

Gene: RERE (arginine-glutamic acid dipeptide repeats; minus strand). Cytogenetic location: 1p36.23.
Variant type: single nucleotide variant.
Coding change: c.697G>A on transcript NM_001042681.2 (MANE Select); coding-DNA position 697, G replaced by A.
Protein change: p.Val233Ile; replaces valine 233 with isoleucine.
Molecular consequence: missense variant.
Genome position (GRCh38, 1-based): chr1:8,556,503, C>T on the plus strand (G>A on the coding strand, the complement: RERE is on the minus strand). VCF-style: chr1-8556503-C-T. GRCh37 (hg19) VCF-style: chr1-8616562-C-T.
Other names: c.697G>A, p.Val233Ile (NM_012102.4); c.697G>A (NM_012102.3); short protein forms V233I.
Identifiers: ClinVar variation 1552098 (VCV001552098.15), dbSNP rs147116390, ClinGen allele CA572037.
Genomic context (GRCh38, chr1:8,556,503, plus strand): 5'-TTCACATGGAAGAGCACGTCTCCAGTACTTACCTAAGGGCAGCAGCATGGTAAGTGTCAA[C>T]GTAATCAGAAATGAAGAGCTCTCGGTTCTTGATAACTGGGTCTGTAATGACAAGTTCTCT-3'
Protein context (NP_001036146.1, residues 223-243): KNRELFISDY[Val233Ile]DTYHAAALRG